The following is an entry in ClinVar:

NM_001048174.2(MUTYH):c.276G>T (p.Glu92Asp)

Gene: MUTYH (mutY DNA glycosylase; minus strand). Cytogenetic location: 1p34.1.
Variant type: single nucleotide variant.
Coding change: c.276G>T on transcript NM_001048174.2 (MANE Select); coding-DNA position 276, G replaced by T.
Protein change: p.Glu92Asp; replaces glutamic acid 92 with aspartic acid.
Molecular consequence: missense variant. On other transcripts: 5 prime UTR variant (3), non-coding transcript variant (7).
Genome position (GRCh38, 1-based): chr1:45,333,313, C>A on the plus strand (G>T on the coding strand, the complement: MUTYH is on the minus strand). VCF-style: chr1-45333313-C-A. GRCh37 (hg19) VCF-style: chr1-45798985-C-A.
Other names: c.276G>T, p.Glu92Asp (NM_001048171.2, NM_001048173.2, NM_001293195.2 and 6 more transcripts); c.279G>T, p.Glu93Asp (NM_001048172.2, NM_001407071.1, NM_001407078.1 and 2 more transcripts); c.360G>T, p.Glu120Asp (NM_001128425.2); c.321G>T, p.Glu107Asp (NM_001293190.2); c.309G>T, p.Glu103Asp (NM_001293191.2, NM_001407077.1); c.-1G>T (NM_001293192.2, NM_001293196.2, NM_001407091.1); c.5G>T, p.Arg2Ile (NM_001350650.2, NM_001350651.2, NM_001407082.1); c.351G>T, p.Glu117Asp (NM_001407069.1, NM_012222.3); and 3 more; short protein forms E107D, E64D, E92D, E93D, E103D, E120D, E99D, E106D.
Identifiers: ClinVar variation 4113626 (VCV004113626.1).

ClinVar aggregate classification (germline): Uncertain significance (1 of 4 stars; one submission).

Conditions:
Hereditary cancer-predisposing syndrome. Also called: Hereditary neoplastic syndrome; Neoplastic Syndromes, Hereditary; Tumor predisposition; Hereditary Cancer Syndrome. Identifiers: Orphanet 140162, MedGen C0027672, MeSH D009386, MONDO:0015356.

Submission:

Ambry Genetics
Classification: Uncertain significance for Hereditary cancer-predisposing syndrome. Last evaluated: 2025-08-27. Review status: criteria provided, single submitter. Criteria: Ambry Variant Classification Scheme 2023. Collection method: clinical testing. Allele origin: germline.
Comment: The p.E120D variant (also known as c.360G>T), located in coding exon 4 of the MUTYH gene, results from a G to T substitution at nucleotide position 360. The glutamic acid at codon 120 is replaced by aspartic acid, an amino acid with highly similar properties. This amino acid position is conserved. In addition, this alteration is predicted to be tolerated by in silico analysis. Based on the available evidence, the clinical significance of this variant remains unclear.